The following is an entry in ClinVar:

NM_030578.4(B9D2):c.178C>T (p.Pro60Ser)

Gene: B9D2 (B9 domain containing 2; minus strand). Cytogenetic location: 19q13.2.
Variant type: single nucleotide variant.
Coding change: c.178C>T on transcript NM_030578.4 (MANE Select); coding-DNA position 178, C replaced by T.
Protein change: p.Pro60Ser; replaces proline 60 with serine.
Molecular consequence: missense variant.
Genome position (GRCh38, 1-based): chr19:41,357,933, G>A on the plus strand (C>T on the coding strand, the complement: B9D2 is on the minus strand). VCF-style: chr19-41357933-G-A. GRCh37 (hg19) VCF-style: chr19-41863838-G-A.
Other names: short protein forms P60S.
Identifiers: ClinVar variation 4880092 (VCV004880092.1).

ClinVar aggregate classification (germline): Uncertain significance (1 of 4 stars; one submission).

Conditions:
Primary ciliary dyskinesia. Also called: Ciliary dyskinesia. Identifiers: Orphanet 244, MedGen C0008780, MONDO:0016575, HP:0012265.

gnomAD v4.1: 3 of 1,614,136 alleles (0.00019%); highest among the groups gnomAD compares: Non-Finnish European, 0.00017%; no homozygotes.

Submission:

Department of Human Genetics, Hannover Medical School
Classification: Uncertain significance for Primary Ciliary Dyskinesia. Last evaluated: 2026-04-01. Review status: criteria provided, single submitter. Criteria: ACMG Guidelines, 2015. Collection method: research. Allele origin: germline. Affected: no.
Comment: Classification performed by HerediClassify using the following criteria:['PM2_supporting: Variant occures does not occur as homozygous in gnomAD.', 'PP3_protein_moderate: Variant is predicted to be pathogenic by REVEL with evidence strength moderate.', "PP4_supporting: The modified PICADAR socre of 2.0 exceeds threshold of 2 achieving 'supporting' evidence strength."]